The following is an entry in ClinVar:

ClinVar aggregate classification (germline): Uncertain significance (1 of 4 stars; one submission).

Conditions:
Cardiovascular phenotype. Identifiers: MedGen CN230736.

Allele frequency attached by ClinVar (database versions not stated): gnomAD exomes 0.00001.
gnomAD v4.1: 9 of 1,613,828 alleles (0.00056%); highest among the groups gnomAD compares: Non-Finnish European, 0.00076%; no homozygotes.

Submission:

Ambry Genetics
Classification: Uncertain significance for Cardiovascular phenotype. Last evaluated: 2023-09-18. Review status: criteria provided, single submitter. Criteria: Ambry Variant Classification Scheme 2023. Collection method: clinical testing. Allele origin: germline.
Comment: The p.M358I variant (also known as c.1074G>T), located in coding exon 10 of the MYH6 gene, results from a G to T substitution at nucleotide position 1074. The methionine at codon 358 is replaced by isoleucine, an amino acid with highly similar properties. This amino acid position is conserved. In addition, the in silico prediction for this alteration is inconclusive. Since supporting evidence is limited at this time, the clinical significance of this alteration remains unclear.

NM_002471.4(MYH6):c.1074G>T (p.Met358Ile)

Gene: MYH6 (myosin heavy chain 6; minus strand). Cytogenetic location: 14q11.2.
Variant type: single nucleotide variant.
Coding change: c.1074G>T on transcript NM_002471.4 (MANE Select); coding-DNA position 1074, G replaced by T.
Protein change: p.Met358Ile; replaces methionine 358 with isoleucine.
Molecular consequence: missense variant.
Genome position (GRCh38, 1-based): chr14:23,402,531, C>A on the plus strand (G>T on the coding strand, the complement: MYH6 is on the minus strand). VCF-style: chr14-23402531-C-A. GRCh37 (hg19) VCF-style: chr14-23871740-C-A.
Other names: short protein forms M358I.
Identifiers: ClinVar variation 3222318 (VCV003222318.1), dbSNP rs2502197439, ClinGen allele CA389026106.